The following is an entry in ClinVar:

ClinVar aggregate classification (germline): Likely pathogenic. Review status: criteria provided, single submitter (1 of 4 stars). 2 submissions from 2 submitters: Likely pathogenic (1). 1 of the submissions does not count toward it. Last evaluated 2025-05-23.

Conditions:
Gaucher disease. Also called: Acute cerebral Gaucher disease; Cerebroside lipidosis syndrome; Gaucher splenomegaly; Sphingolipidosis 1; Glucocerebrosidosis; Glucosylceramidase deficiency. Identifiers: Orphanet 355, MedGen C0017205, MONDO:0018150.
Gaucher disease type I (GD1). Also called: GAUCHER DISEASE, NONCEREBRAL JUVENILE; GBA DEFICIENCY; GD I; GLUCOCEREBROSIDASE DEFICIENCY; Type 1 Gaucher Disease; GD 1. Identifiers: Orphanet 355, Orphanet 77259, MedGen C1961835, MONDO:0009265, OMIM 230800.

Submissions (2):

Natera, Inc.
Classification: Likely pathogenic for Gaucher disease. Last evaluated: 2025-05-23. Review status: criteria provided, single submitter. Criteria: Natera Variant Classification Schema (03/2026). Collection method: clinical testing. Allele origin: germline.
Comment: The c.1459G>A variant in GBA1 is a missense variant predicted to cause substitution of alanine to threonine at amino acid 487. This variant is rare in the general population with a frequency below the threshold expected for the associated phenotype(s). This variant has been observed in one or more individuals affected with the associated recessive disease, as either homozygous or compound heterozygous with a second variant (PMID: 30764785, 30285649). This variant has been identified in one or more affected individuals with a phenotype highly consistent with the associated gene (PMID: 30764785, 30285649). Computational prediction algorithms indicate this variant is likely to affect gene or protein function. Given the available evidence, this variant is classified as Likely Pathogenic.

Foundation for Research in Genetics and Endocrinology, FRIGE's Institute of Human Genetics
Classification: Likely pathogenic for Gaucher disease type I. Last evaluated: 2015-08-25. Review status: no assertion criteria provided. Collection method: research. Allele origin: germline. Inheritance: Autosomal recessive inheritance. Affected: yes. Observed: 1 homozygote. Not counted in ClinVar's aggregate classification.
Comment: Variant c.1459G>A/p.A487T (ENST00000368373) was found to be pathogenic by online software like Mutation Taster, SIFT and Polyphen-2.

Literature cited by the submitters: PubMed 30764785 (cited by Natera, Inc.); PubMed 30285649 (cited by Natera, Inc.).

NM_000157.4(GBA1):c.1459G>A (p.Ala487Thr)

Genes: GBA1 (glucosylceramidase beta 1; minus strand), LOC106627981 (GBA recombination region; plus strand). Cytogenetic location: 1q22.
Variant type: single nucleotide variant.
Coding change: c.1459G>A on transcript NM_000157.4 (MANE Select); coding-DNA position 1459, G replaced by A.
Protein change: p.Ala487Thr; replaces alanine 487 with threonine.
Molecular consequence: missense variant.
Genome position (GRCh38, 1-based): chr1:155,235,241, C>T on the plus strand (G>A on the coding strand, the complement: GBA1 is on the minus strand). VCF-style: chr1-155235241-C-T. GRCh37 (hg19) VCF-style: chr1-155205032-C-T.
Other names: c.1459G>A, p.Ala487Thr (NM_001005741.3, NM_001005742.3); c.1198G>A, p.Ala400Thr (NM_001171811.2); c.1312G>A, p.Ala438Thr (NM_001171812.2); short protein forms A487T, A400T, A438T.
Identifiers: ClinVar variation 236402 (VCV000236402.4), dbSNP rs878853317, ClinGen allele CA10581616.